The following is an entry in ClinVar:

ClinVar aggregate classification (germline): Benign (0 of 4 stars; one submission).

Conditions:
MAFA-related disorder. Also called: MAFA-related condition.

Allele frequency attached by ClinVar (database versions not stated): 1000 Genomes Project 30x 0.99391; 1000 Genomes Project 0.99461; ESP Exome Variant Server 0.99467; gnomAD 0.99547; ExAC 0.99889.

Submission:

PreventionGenetics, part of Exact Sciences
Classification: Benign for MAFA-related condition. Last evaluated: 2019-10-21. Review status: no assertion criteria provided. Collection method: clinical testing. Allele origin: germline.
Comment: This variant is classified as benign based on ACMG/AMP sequence variant interpretation guidelines (Richards et al. 2015 PMID: 25741868, with internal and published modifications).

NM_201589.4(MAFA):c.582T>C (p.His194=)

Gene: MAFA (MAF bZIP transcription factor A; minus strand). Cytogenetic location: 8q24.3.
Variant type: single nucleotide variant.
Coding change: c.582T>C on transcript NM_201589.4 (MANE Select); coding-DNA position 582, T replaced by C.
Protein change: p.His194=; no amino-acid change (histidine 194 retained).
Molecular consequence: synonymous variant.
Genome position (GRCh38, 1-based): chr8:143,429,825, A>G on the plus strand (T>C on the coding strand, the complement: MAFA is on the minus strand). VCF-style: chr8-143429825-A-G. GRCh37 (hg19) VCF-style: chr8-144511995-A-G.
Identifiers: ClinVar variation 3059208 (VCV003059208.2), dbSNP rs1872900, ClinGen allele CA4909937.